The following is an entry in ClinVar:

ClinVar aggregate classification (germline): Conflicting classifications of pathogenicity. Review status: criteria provided, conflicting classifications (1 of 4 stars). 8 submissions from 8 submitters: Uncertain significance (1); Benign (1); Likely benign (5). 1 of the submissions does not count toward it. Last evaluated 2026-04-17.

Conditions:
DICER1-related disorder. Also called: DICER1-related condition.
Hereditary cancer-predisposing syndrome. Also called: Neoplastic Syndromes, Hereditary; Tumor predisposition; Hereditary Cancer Syndrome; Hereditary neoplastic syndrome. Identifiers: Orphanet 140162, MedGen C0027672, MeSH D009386, MONDO:0015356.
DICER1-related tumor predisposition. Also called: DICER1-related pleuropulmonary blastoma cancer predisposition syndrome; DICER1 syndrome. Identifiers: Orphanet 284343, MedGen C3839822, MONDO:0100216.

Allele frequency attached by ClinVar (database versions not stated): ExAC 0.00001; gnomAD exomes 0.00001; TOPMed 0.00003.

Submissions (8):

Myriad Genetics, Inc.
Classification: Benign for DICER1-related tumor predisposition. Last evaluated: 2026-04-17. Review status: criteria provided, single submitter. Criteria: Myriad Autosomal Dominant, Autosomal Recessive and X-Linked Classification Criteria (2023). Collection method: clinical testing. Allele origin: unknown.
Comment: This variant is considered benign. This variant is a silent/synonymous amino acid change and it is not expected to impact splicing.

Labcorp Genetics (formerly Invitae), Labcorp
Classification: Likely benign for DICER1-related tumor predisposition. Last evaluated: 2025-11-17. Review status: criteria provided, single submitter. Criteria: Invitae Variant Classification Sherloc (09022015). Collection method: clinical testing. Allele origin: germline.

Quest Diagnostics Nichols Institute San Juan Capistrano
Classification: Likely benign. Last evaluated: 2025-03-05. Review status: criteria provided, single submitter. Criteria: Quest Diagnostics criteria. Collection method: clinical testing. Allele origin: unknown.

Center for Genomic Medicine, Rigshospitalet, Copenhagen University Hospital
Classification: Likely benign. Last evaluated: 2025-03-04. Review status: criteria provided, single submitter. Criteria: ACMG Guidelines, 2015. Collection method: clinical testing. Allele origin: germline.

Blueprint Genetics
Classification: Likely benign. Last evaluated: 2023-03-21. Review status: criteria provided, single submitter. Criteria: ACMG Guidelines, 2015. Collection method: clinical testing. Allele origin: germline.

Sema4
Classification: Uncertain significance for Hereditary cancer-predisposing syndrome. Last evaluated: 2022-02-24. Review status: criteria provided, single submitter. Criteria: Sema4 Curation Guidelines. Collection method: curation. Allele origin: germline.
Comment: The DICER1 c.3987A>G (p.T1329=) variant has not been reported in the literature to our knowledge. This variant was observed in 3/113674 chromosomes in the Non-Finnish European population according to the Genome Aggregation Database (PMID: 32461654). The variant has been reported in ClinVar (Variation ID: 412114). In silico tools suggest the variant may lead to the creation of a cryptic splice donor site, however these predictions have not been confirmed by transcriptional studies. The evidence is insufficient to meet ACMG/AMP criteria for classifying the variant as benign or pathogenic. Thus, the clinical significance of this variant is currently uncertain.

Ambry Genetics
Classification: Likely benign for Hereditary cancer-predisposing syndrome. Last evaluated: 2017-05-09. Review status: criteria provided, single submitter. Criteria: Ambry Variant Classification Scheme 2023. Collection method: clinical testing. Allele origin: germline.

PreventionGenetics, part of Exact Sciences
Classification: Likely benign for DICER1-related condition. Last evaluated: 2023-01-19. Review status: no assertion criteria provided. Collection method: clinical testing. Allele origin: germline. Not counted in ClinVar's aggregate classification.
Comment: This variant is classified as likely benign based on ACMG/AMP sequence variant interpretation guidelines (Richards et al. 2015 PMID: 25741868, with internal and published modifications).

NM_177438.3(DICER1):c.3987A>G (p.Thr1329=)

Gene: DICER1 (dicer 1, ribonuclease III; minus strand). Cytogenetic location: 14q32.13.
Variant type: single nucleotide variant.
Coding change: c.3987A>G on transcript NM_177438.3 (MANE Select); coding-DNA position 3987, A replaced by G.
Protein change: p.Thr1329=; no amino-acid change (threonine 1329 retained).
Molecular consequence: synonymous variant.
Genome position (GRCh38, 1-based): chr14:95,103,409, T>C on the plus strand (A>G on the coding strand, the complement: DICER1 is on the minus strand). VCF-style: chr14-95103409-T-C. GRCh37 (hg19) VCF-style: chr14-95569746-T-C.
Other names: c.3987A>G, p.Thr1329= (NM_001195573.1, NM_001271282.3, NM_001291628.2 and 1 more transcripts).
Identifiers: ClinVar variation 412114 (VCV000412114.24), dbSNP rs373810197, ClinGen allele CA7330965.
Genomic context (GRCh38, chr14:95,103,409, plus strand): 5'-TTTGCTTCTCATATATGAAAGGCGGCCCTCATGCGCATCAGGGTAAGTGCAAAATAGATA[T>C]GTGGTGATGGCATGCTTTAAAAAGGAGTCGCCAAGCATTTCAAGCCGCTCCAGGTTAAAT-3'
Protein context (NP_803187.1, residues 1319-1339): GDSFLKHAIT[Thr1329=]YLFCTYPDAH